The following is an entry in ClinVar:

ClinVar aggregate classification (germline): Uncertain significance (1 of 4 stars; one submission).

Conditions:
Duchenne muscular dystrophy (DMD). Also called: MUSCULAR DYSTROPHY, PSEUDOHYPERTROPHIC PROGRESSIVE, DUCHENNE TYPE; Duchenne Muscular Dystrophy (DMD). Identifiers: Orphanet 98896, MedGen C0013264, MONDO:0010679, OMIM 310200.

Allele frequency attached by ClinVar (database versions not stated): gnomAD 0.00001.
gnomAD v4.1: 1 of 1,206,897 alleles (0.000083%); highest among the groups gnomAD compares: African/African-American, 0.0017%; no homozygotes.

Submission:

Labcorp Genetics (formerly Invitae), Labcorp
Classification: Uncertain significance for Duchenne muscular dystrophy. Last evaluated: 2026-01-05. Review status: criteria provided, single submitter. Criteria: Invitae Variant Classification Sherloc (09022015). Collection method: clinical testing. Allele origin: germline.
Comment: This sequence change falls in intron 75 of the DMD gene. It does not directly change the encoded amino acid sequence of the DMD protein. It affects a nucleotide within the consensus splice site. This variant is present in population databases (no rsID available, gnomAD 0.02%). This variant has not been reported in the literature in individuals affected with DMD-related conditions. ClinVar contains an entry for this variant (Variation ID: 2018681). Variants that disrupt the consensus splice site are a relatively common cause of aberrant splicing (PMID: 17576681, 9536098). Algorithms developed to predict the effect of sequence changes on RNA splicing suggest that this variant may disrupt the consensus splice site. In summary, the available evidence is currently insufficient to determine the role of this variant in disease. Therefore, it has been classified as a Variant of Uncertain Significance.

Literature cited by the submitters: PubMed 17576681; PubMed 9536098.

NM_004006.3(DMD):c.10798-3T>A

Gene: DMD (dystrophin; minus strand). Cytogenetic location: Xp21.2.
Variant type: single nucleotide variant.
Coding change: c.10798-3T>A on transcript NM_004006.3 (MANE Select); 3 bases into the intron before coding-DNA position 10798, T replaced by A.
Molecular consequence: intron variant.
Genome position (GRCh38, 1-based): chrX:31,146,417, A>T on the plus strand (T>A on the coding strand, the complement: DMD is on the minus strand). VCF-style: chrX-31146417-A-T. GRCh37 (hg19) VCF-style: chrX-31164534-A-T.
Other names: c.10774-3T>A (NM_000109.4); c.6775-3T>A (NM_004011.4); c.6766-3T>A (NM_004012.4); c.3088-3T>A (NM_004023.3, NM_004020.4); c.3379-3T>A (NM_004022.3); c.3418-3T>A (NM_004021.3, NM_004013.3); c.2611-3T>A (NM_004014.3); c.1555-3T>A (NM_004018.3, NM_004017.3); and 3 more.
Identifiers: ClinVar variation 2018681 (VCV002018681.4), dbSNP rs1416450294, ClinGen allele CA641183858.